The following is an entry in ClinVar:

NM_001378454.1(ALMS1):c.8512A>G (p.Ile2838Val)

Gene: ALMS1 (ALMS1 centrosome and basal body associated protein; plus strand). Cytogenetic location: 2p13.1.
Variant type: single nucleotide variant.
Coding change: c.8512A>G on transcript NM_001378454.1 (MANE Select); coding-DNA position 8512, A replaced by G.
Protein change: p.Ile2838Val; replaces isoleucine 2838 with valine.
Molecular consequence: missense variant.
Genome position (GRCh38, 1-based): chr2:73,490,471, A>G. VCF-style: chr2-73490471-A-G. GRCh37 (hg19) VCF-style: chr2-73717598-A-G.
Other names: c.8515A>G, p.Ile2839Val (NM_015120.4); short protein forms I2838V, I2839V.
Identifiers: ClinVar variation 1809921 (VCV001809921.4), dbSNP rs780558004, ClinGen allele CA1714481.

ClinVar aggregate classification (germline): Conflicting classifications of pathogenicity. Review status: criteria provided, conflicting classifications (1 of 4 stars). 3 submissions from 3 submitters: Uncertain significance (2); Likely benign (1). Last evaluated 2025-10-29.

Conditions:
Cardiovascular phenotype. Identifiers: MedGen CN230736.
Alstrom syndrome (ALMS). Identifiers: Orphanet 64, MedGen C0268425, MONDO:0008763, OMIM 203800.

Allele frequency attached by ClinVar (database versions not stated): gnomAD exomes 0.00001; TOPMed 0.00001; ExAC 0.00002.
gnomAD v4.1: 12 of 1,614,204 alleles (0.00074%); highest among the groups gnomAD compares: Admixed American, 0.015%; no homozygotes.

Submissions (3):

Ambry Genetics
Classification: Likely benign for Cardiovascular phenotype. Last evaluated: 2025-10-29. Review status: criteria provided, single submitter. Criteria: Ambry Variant Classification Scheme 2023. Collection method: clinical testing. Allele origin: germline.

Labcorp Genetics (formerly Invitae), Labcorp
Classification: Uncertain significance for Alstrom syndrome. Last evaluated: 2022-09-06. Review status: criteria provided, single submitter. Criteria: Invitae Variant Classification Sherloc (09022015). Collection method: clinical testing. Allele origin: germline.
Comment: This sequence change replaces isoleucine, which is neutral and non-polar, with valine, which is neutral and non-polar, at codon 2839 of the ALMS1 protein (p.Ile2839Val). This variant is present in population databases (rs780558004, gnomAD 0.03%). This variant has not been reported in the literature in individuals affected with ALMS1-related conditions. Experimental studies and prediction algorithms are not available or were not evaluated, and the functional significance of this variant is currently unknown. In summary, the available evidence is currently insufficient to determine the role of this variant in disease. Therefore, it has been classified as a Variant of Uncertain Significance.

GeneDx
Classification: Uncertain significance. Last evaluated: 2022-06-30. Review status: criteria provided, single submitter. Criteria: GeneDx Variant Classification Process June 2021. Collection method: clinical testing. Allele origin: germline. Affected: yes.
Comment: In silico analysis supports that this missense variant does not alter protein structure/function; Has not been previously published as pathogenic or benign to our knowledge